The following is an entry in ClinVar:

ClinVar aggregate classification (germline): Uncertain significance (1 of 4 stars; one submission).

Conditions:
CHARGE syndrome (CHARGE). Also called: Hittner Hirsch Kreh syndrome; CHARGE ASSOCIATION--COLOBOMA, HEART ANOMALY, CHOANAL ATRESIA, RETARDATION, GENITAL AND EAR ANOMALIES; Coloboma, heart anomaly, choanal atresia, retardation, genital and ear anomalies; CHARGE association; Hall-Hittner syndrome. Identifiers: Orphanet 138, MedGen C0265354, MONDO:0008965.

gnomAD v4.1: 6 of 1,613,708 alleles (0.00037%); highest among the groups gnomAD compares: Non-Finnish European, 0.00042%; no homozygotes.

Submission:

Labcorp Genetics (formerly Invitae), Labcorp
Classification: Uncertain significance for CHARGE syndrome. Last evaluated: 2025-10-06. Review status: criteria provided, single submitter. Criteria: Invitae Variant Classification Sherloc (09022015). Collection method: clinical testing. Allele origin: germline.
Comment: This sequence change replaces leucine, which is neutral and non-polar, with phenylalanine, which is neutral and non-polar, at codon 187 of the SEMA3E protein (p.Leu187Phe). This variant is not present in population databases (gnomAD no frequency). This variant has not been reported in the literature in individuals affected with SEMA3E-related conditions. ClinVar contains an entry for this variant (Variation ID: 3714057). Invitae Evidence Modeling of protein sequence and biophysical properties (such as structural, functional, and spatial information, amino acid conservation, physicochemical variation, residue mobility, and thermodynamic stability) indicates that this missense variant is not expected to disrupt SEMA3E protein function with a negative predictive value of 80%. In summary, the available evidence is currently insufficient to determine the role of this variant in disease. Therefore, it has been classified as a Variant of Uncertain Significance.

NM_012431.3(SEMA3E):c.561G>T (p.Leu187Phe)

Gene: SEMA3E (semaphorin 3E; minus strand). Cytogenetic location: 7q21.11.
Variant type: single nucleotide variant.
Coding change: c.561G>T on transcript NM_012431.3 (MANE Select); coding-DNA position 561, G replaced by T.
Protein change: p.Leu187Phe; replaces leucine 187 with phenylalanine.
Molecular consequence: missense variant.
Genome position (GRCh38, 1-based): chr7:83,408,477, C>A on the plus strand (G>T on the coding strand, the complement: SEMA3E is on the minus strand). VCF-style: chr7-83408477-C-A. GRCh37 (hg19) VCF-style: chr7-83037793-C-A.
Other names: c.381G>T, p.Leu127Phe (NM_001178129.2); short protein forms L187F, L127F.
Identifiers: ClinVar variation 3714057 (VCV003714057.2).